The following is an entry in ClinVar:

NM_000733.4(CD3E):c.520+1G>A

Gene: CD3E (CD3 epsilon subunit of T-cell receptor complex; plus strand). Cytogenetic location: 11q23.3.
Variant type: single nucleotide variant.
Coding change: c.520+1G>A on transcript NM_000733.4 (MANE Select); the canonical splice donor site of the intron after coding-DNA position 520, G replaced by A.
Molecular consequence: splice donor variant.
Genome position (GRCh38, 1-based): chr11:118,313,875, G>A. VCF-style: chr11-118313875-G-A. GRCh37 (hg19) VCF-style: chr11-118184590-G-A.
Identifiers: ClinVar variation 2708832 (VCV002708832.3), dbSNP rs2496837183, ClinGen allele CA382784569.

ClinVar aggregate classification (germline): Likely pathogenic (1 of 4 stars; one submission).

Conditions:
Immunodeficiency 18 (IMD18). Also called: CD3-EPSILON DEFICIENCY; CD3epsilon deficiency. Identifiers: MedGen C3810127, MONDO:0014278, OMIM 615615.

Submission:

Labcorp Genetics (formerly Invitae), Labcorp
Classification: Likely pathogenic for Immunodeficiency 18. Last evaluated: 2024-01-11. Review status: criteria provided, single submitter. Criteria: Invitae Variant Classification Sherloc (09022015). Collection method: clinical testing. Allele origin: germline.
Comment: This sequence change affects a donor splice site in intron 7 of the CD3E gene. It is expected to disrupt RNA splicing. Variants that disrupt the donor or acceptor splice site typically lead to a loss of protein function (PMID: 16199547), and loss-of-function variants in CD3E are known to be pathogenic (PMID: 8490660, 15546002). This variant is not present in population databases (gnomAD no frequency). This variant has not been reported in the literature in individuals affected with CD3E-related conditions. Algorithms developed to predict the effect of sequence changes on RNA splicing suggest that this variant may disrupt the consensus splice site. In summary, the currently available evidence indicates that the variant is pathogenic, but additional data are needed to prove that conclusively. Therefore, this variant has been classified as Likely Pathogenic.

Literature cited by the submitters: PubMed 16199547; PubMed 8490660; PubMed 15546002.